The following is an entry in ClinVar:

ClinVar aggregate classification (germline): Uncertain significance. Review status: criteria provided, multiple submitters, no conflicts (2 of 4 stars). 2 submissions from 2 submitters: Uncertain significance (2). Last evaluated 2024-10-23.

Conditions:
ALG6-congenital disorder of glycosylation 1C (CDG1C). Also called: Congenital disorder of glycosylation, type Ic; CARBOHYDRATE-DEFICIENT GLYCOPROTEIN SYNDROME, TYPE I, WITH DEFICIENT GLYCOSYLATION OF DOLICHOL-LINKED OLIGOSACCHARIDE; CARBOHYDRATE-DEFICIENT GLYCOPROTEIN SYNDROME, TYPE V; Congenital disorder of glycosylation type 1C; CDG Ic. Identifiers: Orphanet 79320, MedGen C2930997, MONDO:0011291, OMIM 603147.

Submissions (2):

Labcorp Genetics (formerly Invitae), Labcorp
Classification: Uncertain significance for ALG6-congenital disorder of glycosylation 1C. Last evaluated: 2024-10-23. Review status: criteria provided, single submitter. Criteria: Invitae Variant Classification Sherloc (09022015). Collection method: clinical testing. Allele origin: germline.
Comment: This sequence change replaces methionine, which is neutral and non-polar, with threonine, which is neutral and polar, at codon 494 of the ALG6 protein (p.Met494Thr). This variant is not present in population databases (gnomAD no frequency). This variant has not been reported in the literature in individuals affected with ALG6-related conditions. ClinVar contains an entry for this variant (Variation ID: 281126). Invitae Evidence Modeling of protein sequence and biophysical properties (such as structural, functional, and spatial information, amino acid conservation, physicochemical variation, residue mobility, and thermodynamic stability) indicates that this missense variant is not expected to disrupt ALG6 protein function with a negative predictive value of 95%. In summary, the available evidence is currently insufficient to determine the role of this variant in disease. Therefore, it has been classified as a Variant of Uncertain Significance.

Eurofins Ntd Llc (ga)
Classification: Uncertain significance. Last evaluated: 2016-07-13. Review status: criteria provided, single submitter. Criteria: EGL Classification Definitions 2015. Collection method: clinical testing. Allele origin: germline. Observed: 1 variant allele, 1 heterozygote.

NM_013339.4(ALG6):c.1481T>C (p.Met494Thr)

Gene: ALG6 (ALG6 alpha-1,3-glucosyltransferase; plus strand). Cytogenetic location: 1p31.3.
Variant type: single nucleotide variant.
Coding change: c.1481T>C on transcript NM_013339.4 (MANE Select); coding-DNA position 1481, T replaced by C.
Protein change: p.Met494Thr; replaces methionine 494 with threonine.
Molecular consequence: missense variant.
Genome position (GRCh38, 1-based): chr1:63,436,977, T>C. VCF-style: chr1-63436977-T-C. GRCh37 (hg19) VCF-style: chr1-63902648-T-C.
Other names: c.1481T>C, p.Met494Thr (LRG_1260t1); short protein forms M494T.
Identifiers: ClinVar variation 281126 (VCV000281126.8), dbSNP rs766169939, ClinGen allele CA10603811.
Genomic context (GRCh38, chr1:63,436,977, plus strand): 5'-TGTGTTTTGTATCTTGCTTGAACTTCCTGTTCTTCTTGGTATACTTTAACATTATTATTA[T>C]GTGGGATTCCAAAAGTGGAAGAAATCAGAAGAAAATCAGCTAGCTGTATTCCTAAACAAA-3'
Protein context (NP_037471.2, residues 484-504): FFLVYFNIII[Met494Thr]WDSKSGRNQK